The following is an entry in ClinVar:

ClinVar aggregate classification (germline): Uncertain significance (1 of 4 stars; one submission).

Conditions:
Inborn genetic diseases. Identifiers: MedGen C0950123, MeSH D030342.

Submission:

Ambry Genetics
Classification: Uncertain significance for Inborn genetic diseases. Last evaluated: 2024-12-07. Review status: criteria provided, single submitter. Criteria: Ambry Variant Classification Scheme 2023. Collection method: clinical testing. Allele origin: germline.
Comment: The p.F486L variant (also known as c.1458C>G), located in coding exon 9 of the ERCC6L2 gene, results from a C to G substitution at nucleotide position 1458. The phenylalanine at codon 486 is replaced by leucine, an amino acid with highly similar properties. This amino acid position is conserved. In addition, the in silico prediction for this alteration is inconclusive. Based on the available evidence, the clinical significance of this variant remains unclear.

NM_020207.7(ERCC6L2):c.1458C>G (p.Phe486Leu)

Gene: ERCC6L2 (ERCC excision repair 6 like 2; plus strand). Cytogenetic location: 9q22.32.
Variant type: single nucleotide variant.
Coding change: c.1458C>G on transcript NM_020207.7 (MANE Select); coding-DNA position 1458, C replaced by G.
Protein change: p.Phe486Leu; replaces phenylalanine 486 with leucine.
Molecular consequence: missense variant. On other transcripts: non-coding transcript variant (1).
Genome position (GRCh38, 1-based): chr9:95,923,304, C>G. VCF-style: chr9-95923304-C-G. GRCh37 (hg19) VCF-style: chr9-98685586-C-G.
Other names: c.1458C>G, p.Phe486Leu (NM_001010895.4, NM_001375291.1, NM_001375292.1 and 2 more transcripts); short protein forms F486L.
Identifiers: ClinVar variation 3510021 (VCV003510021.1).